The following is an entry in ClinVar:

ClinVar aggregate classification (germline): Uncertain significance (1 of 4 stars; one submission).

Conditions:
Predisposition to invasive fungal disease due to CARD9 deficiency (IMD103). Also called: IMMUNODEFICIENCY 103, SUSCEPTIBILITY TO FUNGAL INFECTIONS; CARD9 IMMUNODEFICIENCY; Candidiasis, familial, 2, autosomal recessive. Identifiers: Orphanet 457088, MedGen C1859353, MONDO:0008905, OMIM 212050.

Allele frequency attached by ClinVar (database versions not stated): ExAC 0.00004.

Submission:

Labcorp Genetics (formerly Invitae), Labcorp
Classification: Uncertain significance for Predisposition to invasive fungal disease due to CARD9 deficiency. Last evaluated: 2021-08-28. Review status: criteria provided, single submitter. Criteria: Invitae Variant Classification Sherloc (09022015). Collection method: clinical testing. Allele origin: germline.
Comment: This sequence change replaces arginine with tryptophan at codon 516 of the CARD9 protein (p.Arg516Trp). The arginine residue is moderately conserved and there is a moderate physicochemical difference between arginine and tryptophan. This variant is present in population databases (rs773889930, ExAC 0.009%). This variant has not been reported in the literature in individuals affected with CARD9-related conditions. Algorithms developed to predict the effect of missense changes on protein structure and function are either unavailable or do not agree on the potential impact of this missense change (SIFT: "Deleterious"; PolyPhen-2: "Possibly Damaging"; Align-GVGD: "Class C0"). In summary, the available evidence is currently insufficient to determine the role of this variant in disease. Therefore, it has been classified as a Variant of Uncertain Significance.

NM_052813.5(CARD9):c.1546C>T (p.Arg516Trp)

Gene: CARD9 (caspase recruitment domain family member 9; minus strand). Cytogenetic location: 9q34.3.
Variant type: single nucleotide variant.
Coding change: c.1546C>T on transcript NM_052813.5 (MANE Select); coding-DNA position 1546, C replaced by T.
Protein change: p.Arg516Trp; replaces arginine 516 with tryptophan.
Molecular consequence: missense variant. On other transcripts: intron variant (1).
Genome position (GRCh38, 1-based): chr9:136,364,367, G>A on the plus strand (C>T on the coding strand, the complement: CARD9 is on the minus strand). VCF-style: chr9-136364367-G-A. GRCh37 (hg19) VCF-style: chr9-139258819-G-A.
Other names: c.1441+186C>T (NM_052814.4); short protein forms R516W.
Identifiers: ClinVar variation 858155 (VCV000858155.7), dbSNP rs773889930, ClinGen allele CA5332584.
Genomic context (GRCh38, chr9:136,364,367, plus strand): 5'-AGCCCTCAGTGTCGGTGTTGTCGCTGCCCGTGGTGTTCTCCCGGTCCTCCTCCCCCTGCC[G>A]CCATCCTTTCTGCATCTTCCTGAGGGCGCGCTTCCTGTGAAGACAGGTGTCTCAGGCGCG-3'
Protein context (NP_434700.2, residues 506-526): RALRKMQKGW[Arg516Trp]QGEEDRENTT